The following is an entry in ClinVar:

ClinVar aggregate classification (germline): Uncertain significance (1 of 4 stars; one submission).

Conditions:
Cardiovascular phenotype. Identifiers: MedGen CN230736.

Submission:

Ambry Genetics
Classification: Uncertain significance for Cardiovascular phenotype. Last evaluated: 2025-05-08. Review status: criteria provided, single submitter. Criteria: Ambry Variant Classification Scheme 2023. Collection method: clinical testing. Allele origin: germline.
Comment: The p.D397G variant (also known as c.1190A>G), located in coding exon 11 of the CASQ2 gene, results from an A to G substitution at nucleotide position 1190. The aspartic acid at codon 397 is replaced by glycine, an amino acid with similar properties. This amino acid position is conserved. In addition, this alteration is predicted to be tolerated by in silico analysis. Based on the available evidence, the clinical significance of this variant remains unclear.

NM_001232.4(CASQ2):c.1190A>G (p.Asp397Gly)

Gene: CASQ2 (calsequestrin 2; minus strand). Cytogenetic location: 1p13.1.
Variant type: single nucleotide variant.
Coding change: c.1190A>G on transcript NM_001232.4 (MANE Select); coding-DNA position 1190, A replaced by G.
Protein change: p.Asp397Gly; replaces aspartic acid 397 with glycine.
Molecular consequence: missense variant.
Genome position (GRCh38, 1-based): chr1:115,701,251, T>C on the plus strand (A>G on the coding strand, the complement: CASQ2 is on the minus strand). VCF-style: chr1-115701251-T-C. GRCh37 (hg19) VCF-style: chr1-116243872-T-C.
Other names: short protein forms D397G.
Identifiers: ClinVar variation 3995703 (VCV003995703.1).